The following is an entry in ClinVar:

ClinVar aggregate classification (germline): Likely benign (1 of 4 stars; one submission).

gnomAD v4.1: 313 of 1,614,078 alleles (0.019%); highest among the groups gnomAD compares: Admixed American, 0.51%; no homozygotes.

Submission:

CeGaT Center for Human Genetics Tuebingen
Classification: Likely benign. Last evaluated: 2026-08-01. Review status: criteria provided, single submitter. Criteria: CeGaT Center For Human Genetics Tuebingen Variant Classification Criteria Version 2. Collection method: clinical testing. Allele origin: germline. Affected: yes. Observed: 1 variant allele.
Comment: SATB1: BP4, BS1

NM_002971.6(SATB1):c.2004G>A (p.Leu668=)

Gene: SATB1 (SATB homeobox 1; minus strand). Cytogenetic location: 3p24.3.
Variant type: single nucleotide variant.
Coding change: c.2004G>A on transcript NM_002971.6 (MANE Select); coding-DNA position 2004, G replaced by A.
Protein change: p.Leu668=; no amino-acid change (leucine 668 retained).
Molecular consequence: synonymous variant.
Genome position (GRCh38, 1-based): chr3:18,349,458, C>T on the plus strand (G>A on the coding strand, the complement: SATB1 is on the minus strand). VCF-style: chr3-18349458-C-T. GRCh37 (hg19) VCF-style: chr3-18390950-C-T.
Other names: c.2004G>A, p.Leu668= (NM_001131010.4, NM_001322872.2, NM_001322873.2 and 2 more transcripts); c.2100G>A, p.Leu700= (NM_001195470.3, NM_001322871.2); c.1788G>A, p.Leu596= (NM_001322876.2).
Identifiers: ClinVar variation 5039867 (VCV005039867.1).